The following is an entry in ClinVar:

NM_206933.4(USH2A):c.4086del (p.Val1363fs)

Genes: USH2A (usherin; minus strand), USH2A-AS1 (USH2A antisense RNA 1; plus strand). Cytogenetic location: 1q41.
Variant type: Deletion.
Coding change: c.4086del on transcript NM_206933.4 (MANE Select); coding-DNA position 4086, one base deleted (T; older notation c.4086delT).
Protein change: p.Val1363fs; shifts the reading frame from valine 1363.
Molecular consequence: frameshift variant.
Genome position (GRCh38, 1-based): chr1:216,196,718, A deleted on the plus strand (T on the coding strand, the reverse complement: USH2A is on the minus strand). VCF-style (leftmost placement, unchanged base first): chr1-216196717-CA-C. GRCh37 (hg19) VCF-style: chr1-216370059-CA-C.
Other names: c.4086del, p.Val1363fs (NM_007123.6); c.4086del (NM_206933.2); short protein forms V1363fs.
Identifiers: ClinVar variation 1073147 (VCV001073147.9), dbSNP rs2034854568, ClinGen allele CA1012218483.
Genomic context (GRCh38, chr1:216,196,717, plus strand): 5'-CCCAGGAGATATTGAGAGAGTACGAAGAGAGGGGAAAGACTGAAGGAGGGATCATGAATA[CA>C]GGTGCTATCAATGAGAACAATAACAATAACATCAAAACAATGAATGTCGTCCCTATATAT-3'

ClinVar aggregate classification (germline): Pathogenic/Likely pathogenic. Review status: criteria provided, multiple submitters, no conflicts (2 of 4 stars). 3 submissions from 3 submitters: Pathogenic (2); Likely pathogenic (1). Last evaluated 2026-08-10.

Conditions:
USH2A-related disorder. Also called: USH2A-related condition; USH2A-related disorders. Identifiers: MedGen CN239332.
Usher syndrome type 2A. Also called: RETINAL DISEASE IN USHER SYNDROME TYPE IIA, MODIFIER OF; USHER SYNDROME, TYPE IIA. Identifiers: Orphanet 231178, Orphanet 886, MedGen C1848634, MONDO:0010169, OMIM 276901.

Allele frequency attached by ClinVar (database versions not stated): gnomAD exomes below 0.00001; TOPMed below 0.00001; gnomAD 0.00001.

Submissions (3):

Myriad Genetics, Inc.
Classification: Pathogenic for USH2A-related disorder. Last evaluated: 2026-08-10. Review status: criteria provided, single submitter. Criteria: Myriad Autosomal Dominant, Autosomal Recessive and X-Linked Classification Criteria (2023). Collection method: clinical testing. Allele origin: unknown.
Comment: NM_206933.2(USH2A):c.4086delT(V1363Yfs*3) is expected to be pathogenic in the context of USH2A-related disorders. This variant is predicted to lead to an abnormal or absent protein product due to the creation of a premature termination codon in USH2A, a gene where loss-of-function variants are known to be pathogenic. Please note: this variant was assessed in the context of healthy population screening.

Natera, Inc.
Classification: Likely pathogenic for Usher syndrome type 2A. Last evaluated: 2025-10-21. Review status: criteria provided, single submitter. Criteria: Natera Variant Classification Schema (03/2026). Collection method: clinical testing. Allele origin: germline.
Comment: The c.4086del variant in USH2A is a frameshift variant predicted to shift the reading frame beginning at codon 1363 and leads to a stop codon 3 codons downstream. This variant is expected to result in nonsense mediated decay, truncation, or a dysfunctional protein product. This variant is rare in the general population with a frequency below the threshold expected for the associated phenotype(s). Given the available evidence, this variant is classified as Likely Pathogenic.

Labcorp Genetics (formerly Invitae), Labcorp
Classification: Pathogenic. Last evaluated: 2022-01-15. Review status: criteria provided, single submitter. Criteria: Invitae Variant Classification Sherloc (09022015). Collection method: clinical testing. Allele origin: germline.
Comment: For these reasons, this variant has been classified as Pathogenic. ClinVar contains an entry for this variant (Variation ID: 1073147). This variant has not been reported in the literature in individuals affected with USH2A-related conditions. This variant is not present in population databases (gnomAD no frequency). This sequence change creates a premature translational stop signal (p.Val1363Tyrfs*3) in the USH2A gene. It is expected to result in an absent or disrupted protein product. Loss-of-function variants in USH2A are known to be pathogenic (PMID: 10729113, 10909849, 20507924, 25649381).

Literature cited by the submitters: PubMed 10729113 (cited by Labcorp Genetics (formerly Invitae), Labcorp); PubMed 10909849 (cited by Labcorp Genetics (formerly Invitae), Labcorp); PubMed 20507924 (cited by Labcorp Genetics (formerly Invitae), Labcorp); PubMed 25649381 (cited by Labcorp Genetics (formerly Invitae), Labcorp).